The following is an entry in ClinVar:

ClinVar aggregate classification (germline): Uncertain significance (0 of 4 stars; one submission).

Conditions:
SIM1-related disorder. Also called: SIM1-related condition; SIM1-related disorders.

gnomAD v4.1: 15 of 1,613,928 alleles (0.00093%); highest among the groups gnomAD compares: Admixed American, 0.005%; no homozygotes.

Submission:

PreventionGenetics, part of Exact Sciences
Classification: Uncertain significance for SIM1-related condition. Last evaluated: 2024-05-11. Review status: no assertion criteria provided. Collection method: clinical testing. Allele origin: germline.
Comment: The SIM1 c.1148G>A variant is predicted to result in the amino acid substitution p.Arg383Lys. To our knowledge, this variant has not been reported in the literature. This variant is reported in 0.0087% of alleles in individuals of Latino descent in gnomAD. At this time, the clinical significance of this variant is uncertain due to the absence of conclusive functional and genetic evidence.

NM_005068.3(SIM1):c.1148G>A (p.Arg383Lys)

Genes: SIM1 (SIM bHLH transcription factor 1; minus strand), SIM1-AS1 (SIM1 antisense RNA 1; plus strand). Cytogenetic location: 6q16.3.
Variant type: single nucleotide variant.
Coding change: c.1148G>A on transcript NM_005068.3 (MANE Select); coding-DNA position 1148, G replaced by A.
Protein change: p.Arg383Lys; replaces arginine 383 with lysine.
Molecular consequence: missense variant.
Genome position (GRCh38, 1-based): chr6:100,420,809, C>T on the plus strand (G>A on the coding strand, the complement: SIM1 is on the minus strand). VCF-style: chr6-100420809-C-T. GRCh37 (hg19) VCF-style: chr6-100868685-C-T.
Other names: c.1148G>A, p.Arg383Lys (NM_001374769.1); short protein forms R383K.
Identifiers: ClinVar variation 3353389 (VCV003353389.1).